The following is an entry in ClinVar:

NM_000263.4(NAGLU):c.1348C>T (p.Gln450Ter)

Gene: NAGLU (N-acetyl-alpha-glucosaminidase; plus strand). Cytogenetic location: 17q21.2.
Variant type: single nucleotide variant.
Coding change: c.1348C>T on transcript NM_000263.4 (MANE Select); coding-DNA position 1348, C replaced by T.
Protein change: p.Gln450Ter; replaces glutamine 450 with a stop codon.
Molecular consequence: nonsense.
Genome position (GRCh38, 1-based): chr17:42,543,354, C>T. VCF-style: chr17-42543354-C-T. GRCh37 (hg19) VCF-style: chr17-40695372-C-T.
Other names: c.1348C>T (NM_000263.3); short protein forms Q450*.
Identifiers: ClinVar variation 2937821 (VCV002937821.4), dbSNP rs1213961819, ClinGen allele CA399601977.
Genomic context (GRCh38, chr17:42,543,354, plus strand): 5'-GCCCGCCTCTTCCCCAACTCCACCATGGTAGGCACGGGCATGGCCCCCGAGGGCATCAGC[C>T]AGAACGAAGTGGTCTATTCCCTCATGGCTGAGCTGGGCTGGCGAAAGGACCCAGTGCCAG-3'

ClinVar aggregate classification (germline): Pathogenic/Likely pathogenic. Review status: criteria provided, multiple submitters, no conflicts (2 of 4 stars). 2 submissions from 2 submitters: Pathogenic (1); Likely pathogenic (1). Last evaluated 2024-12-19.

Conditions:
Charcot-Marie-Tooth disease axonal type 2V. Also called: CHARCOT-MARIE-TOOTH NEUROPATHY, TYPE 2V; CHARCOT-MARIE-TOOTH DISEASE, AXONAL, AUTOSOMAL DOMINANT, TYPE 2V. Identifiers: Orphanet 447964, MedGen C5569050, MONDO:0014665, OMIM 616491.
Mucopolysaccharidosis, MPS-III-B (MPS3B). Also called: N-ACETYL-ALPHA-D-GLUCOSAMINIDASE DEFICIENCY; NAGLU DEFICIENCY; SANFILIPPO SYNDROME B; MPS III B; Mucopolysaccharidosis type IIIB (Sanfilippo B); MUCOPOLYSACCHARIDOSIS, TYPE IIIB. Identifiers: Orphanet 79270, MedGen C0086648, MONDO:0009656, OMIM 252920.

gnomAD v4.1: 12 of 1,612,916 alleles (0.00074%); highest among the groups gnomAD compares: Non-Finnish European, 0.00085%; no homozygotes.

Submissions (2):

Labcorp Genetics (formerly Invitae), Labcorp
Classification: Pathogenic for Charcot-Marie-Tooth disease axonal type 2V; Mucopolysaccharidosis, MPS-III-B. Last evaluated: 2024-12-19. Review status: criteria provided, single submitter. Criteria: Invitae Variant Classification Sherloc (09022015). Collection method: clinical testing. Allele origin: germline.
Comment: This sequence change creates a premature translational stop signal (p.Gln450*) in the NAGLU gene. While this is not anticipated to result in nonsense mediated decay, it is expected to disrupt the last 294 amino acid(s) of the NAGLU protein. This variant is present in population databases (no rsID available, gnomAD 0.0009%). This variant has not been reported in the literature in individuals affected with NAGLU-related conditions. ClinVar contains an entry for this variant (Variation ID: 2937821). This variant disrupts a region of the NAGLU protein in which other variant(s) (p.Tyr455Cys) have been determined to be pathogenic (PMID: 9443875, 29979746). This suggests that this is a clinically significant region of the protein, and that variants that disrupt it are likely to be disease-causing. For these reasons, this variant has been classified as Pathogenic.

Natera, Inc.
Classification: Likely pathogenic for Mucopolysaccharidosis type IIIB. Last evaluated: 2024-12-13. Review status: criteria provided, single submitter. Criteria: Natera Variant Classification Schema (03/2026). Collection method: clinical testing. Allele origin: germline.
Comment: The c.1348C>T variant in NAGLU is a nonsense variant predicted to introduce a stop codon at amino acid 450. This variant is expected to result in nonsense mediated decay, truncation, or a dysfunctional protein product. This variant is rare in the general population with a frequency below the threshold expected for the associated phenotype(s). Given the available evidence, this variant is classified as Likely Pathogenic.

Literature cited by the submitters: PubMed 9443875 (cited by Labcorp Genetics (formerly Invitae), Labcorp); PubMed 29979746 (cited by Labcorp Genetics (formerly Invitae), Labcorp).